The following is an entry in ClinVar:

NM_002485.5(NBN):c.91T>C (p.Cys31Arg)

Gene: NBN (nibrin; minus strand). Cytogenetic location: 8q21.3.
Variant type: single nucleotide variant.
Coding change: c.91T>C on transcript NM_002485.5 (MANE Select); coding-DNA position 91, T replaced by C.
Protein change: p.Cys31Arg; replaces cysteine 31 with arginine.
Molecular consequence: missense variant. On other transcripts: 5 prime UTR variant (1).
Genome position (GRCh38, 1-based): chr8:89,982,802, A>G on the plus strand (T>C on the coding strand, the complement: NBN is on the minus strand). VCF-style: chr8-89982802-A-G. GRCh37 (hg19) VCF-style: chr8-90995030-A-G.
Other names: c.-206T>C (NM_001024688.3); short protein forms C31R.
Identifiers: ClinVar variation 230415 (VCV000230415.20), dbSNP rs876658553, ClinGen allele CA10578815.

ClinVar aggregate classification (germline): Uncertain significance. Review status: criteria provided, multiple submitters, no conflicts (2 of 4 stars). 4 submissions from 4 submitters: Uncertain significance (3). 1 of the submissions does not count toward it. Last evaluated 2024-07-17.

Conditions:
Hereditary cancer-predisposing syndrome. Also called: Hereditary Cancer Syndrome; Neoplastic Syndromes, Hereditary; Tumor predisposition; Hereditary neoplastic syndrome. Identifiers: Orphanet 140162, MedGen C0027672, MeSH D009386, MONDO:0015356.
Microcephaly, normal intelligence and immunodeficiency (NBS). Also called: BERLIN BREAKAGE SYNDROME; Ataxia telangiectasia variant V1; IMMUNODEFICIENCY, MICROCEPHALY, AND CHROMOSOMAL INSTABILITY; SEEMANOVA SYNDROME II; Nijmegen breakage syndrome; Microcephaly with normal intelligence immunodeficiency and lymphoreticular malignancies. Identifiers: Orphanet 647, MedGen C0398791, MONDO:0009623, OMIM 251260.

Allele frequency attached by ClinVar (database versions not stated): gnomAD exomes below 0.00001.
gnomAD v4.1: 2 of 1,613,720 alleles (0.00012%); highest among the groups gnomAD compares: Non-Finnish European, 0.000085%; no homozygotes.

Submissions (4):

Labcorp Genetics (formerly Invitae), Labcorp
Classification: Uncertain significance for Microcephaly, normal intelligence and immunodeficiency. Last evaluated: 2024-07-17. Review status: criteria provided, single submitter. Criteria: Invitae Variant Classification Sherloc (09022015). Collection method: clinical testing. Allele origin: germline.
Comment: This sequence change replaces cysteine, which is neutral and slightly polar, with arginine, which is basic and polar, at codon 31 of the NBN protein (p.Cys31Arg). This variant is not present in population databases (gnomAD no frequency). This variant has not been reported in the literature in individuals affected with NBN-related conditions. ClinVar contains an entry for this variant (Variation ID: 230415). An algorithm developed to predict the effect of missense changes on protein structure and function (PolyPhen-2) suggests that this variant is likely to be disruptive. In summary, the available evidence is currently insufficient to determine the role of this variant in disease. Therefore, it has been classified as a Variant of Uncertain Significance.

Ambry Genetics
Classification: Uncertain significance for Hereditary cancer-predisposing syndrome. Last evaluated: 2022-04-26. Review status: criteria provided, single submitter. Criteria: Ambry Variant Classification Scheme 2023. Collection method: clinical testing. Allele origin: germline.
Comment: The p.C31R variant (also known as c.91T>C), located in coding exon 2 of the NBN gene, results from a T to C substitution at nucleotide position 91. The cysteine at codon 31 is replaced by arginine, an amino acid with highly dissimilar properties. This variant was observed in an individual with early onset-breast cancer amongst a cohort of 1781 non-Ashkenazi Jewish individuals undergoing BRCA1/2 gene testing based on a personal history of breast cancer (Tung N et al. Cancer, 2015 Jan;121:25-33). This amino acid position is well conserved in available vertebrate species. In addition, the in silico prediction for this alteration is inconclusive. Since supporting evidence is limited at this time, the clinical significance of this alteration remains unclear.

Genome-Nilou Lab
Classification: Uncertain significance for Microcephaly, normal intelligence and immunodeficiency. Last evaluated: 2021-11-07. Review status: criteria provided, single submitter. Criteria: ACMG Guidelines, 2015. Collection method: clinical testing. Allele origin: germline. Affected: no.

Natera, Inc.
Classification: Uncertain significance for Nijmegen breakage syndrome. Last evaluated: 2021-03-02. Review status: no assertion criteria provided. Collection method: clinical testing. Allele origin: germline. Not counted in ClinVar's aggregate classification.

Literature cited by the submitters: PubMed 25186627 (cited by Ambry Genetics).